The following is an entry in ClinVar:

NM_153603.4(COG7):c.1293G>A (p.Lys431=)

Gene: COG7 (component of oligomeric golgi complex 7; minus strand). Cytogenetic location: 16p12.2.
Variant type: single nucleotide variant.
Coding change: c.1293G>A on transcript NM_153603.4 (MANE Select); coding-DNA position 1293, G replaced by A.
Protein change: p.Lys431=; no amino-acid change (lysine 431 retained).
Molecular consequence: synonymous variant.
Genome position (GRCh38, 1-based): chr16:23,413,564, C>T on the plus strand (G>A on the coding strand, the complement: COG7 is on the minus strand). VCF-style: chr16-23413564-C-T. GRCh37 (hg19) VCF-style: chr16-23424885-C-T.
Other names: c.1293G>A (NM_153603.3).
Identifiers: ClinVar variation 1380654 (VCV001380654.4), dbSNP rs554871778, ClinGen allele CA279518711.

ClinVar aggregate classification (germline): Conflicting classifications of pathogenicity. Review status: criteria provided, conflicting classifications (1 of 4 stars). 2 submissions from 2 submitters: Uncertain significance (1); Likely benign (1). Last evaluated 2023-06-30.

Conditions:
Inborn genetic diseases. Identifiers: MedGen C0950123, MeSH D030342.
COG7 congenital disorder of glycosylation (CDG2E). Also called: CONGENITAL DISORDER OF GLYCOSYLATION, TYPE IIe; CDG IIe. Identifiers: Orphanet 79333, MedGen C2931010, MONDO:0012118, OMIM 608779.

gnomAD v4.1: 6 of 1,559,956 alleles (0.00038%); highest among the groups gnomAD compares: Non-Finnish European, 0.00053%; no homozygotes.

Submissions (2):

Ambry Genetics
Classification: Likely benign for Inborn genetic diseases. Last evaluated: 2023-06-30. Review status: criteria provided, single submitter. Criteria: Ambry Variant Classification Scheme 2023. Collection method: clinical testing. Allele origin: germline.

Labcorp Genetics (formerly Invitae), Labcorp
Classification: Uncertain significance for COG7 congenital disorder of glycosylation. Last evaluated: 2022-06-14. Review status: criteria provided, single submitter. Criteria: Invitae Variant Classification Sherloc (09022015). Collection method: clinical testing. Allele origin: germline.
Comment: This sequence change affects codon 431 of the COG7 mRNA. It is a 'silent' change, meaning that it does not change the encoded amino acid sequence of the COG7 protein. It affects a nucleotide within the consensus splice site. This variant is present in population databases (rs554871778, gnomAD 0.0009%). This variant has not been reported in the literature in individuals affected with COG7-related conditions. Algorithms developed to predict the effect of sequence changes on RNA splicing suggest that this variant is not likely to affect RNA splicing. In summary, the available evidence is currently insufficient to determine the role of this variant in disease. Therefore, it has been classified as a Variant of Uncertain Significance.